The following is an entry in ClinVar:

NM_000264.5(PTCH1):c.2908G>C (p.Glu970Gln)

Gene: PTCH1 (patched 1; minus strand). Cytogenetic location: 9q22.32.
Variant type: single nucleotide variant.
Coding change: c.2908G>C on transcript NM_000264.5 (MANE Select); coding-DNA position 2908, G replaced by C.
Protein change: p.Glu970Gln; replaces glutamic acid 970 with glutamine.
Molecular consequence: missense variant. On other transcripts: non-coding transcript variant (1).
Genome position (GRCh38, 1-based): chr9:95,458,273, C>G on the plus strand (G>C on the coding strand, the complement: PTCH1 is on the minus strand). VCF-style: chr9-95458273-C-G. GRCh37 (hg19) VCF-style: chr9-98220555-C-G.
Other names: c.2710G>C, p.Glu904Gln (NM_001083602.3); c.2905G>C, p.Glu969Gln (NM_001083603.3); c.2455G>C, p.Glu819Gln (NM_001083604.3, NM_001083605.3, NM_001083606.3 and 1 more transcripts); c.2752G>C, p.Glu918Gln (NM_001354918.2); short protein forms E819Q, E904Q, E918Q, E969Q, E970Q.
Identifiers: ClinVar variation 4801798 (VCV004801798.1).

ClinVar aggregate classification (germline): Uncertain significance (1 of 4 stars; one submission).

Conditions:
Gorlin syndrome. Also called: Nevoid Basal Cell Carcinoma Syndrome; Basal cell nevus syndrome. Identifiers: Orphanet 377, MedGen C0004779, MONDO:0007187.

Submission:

Labcorp Genetics (formerly Invitae), Labcorp
Classification: Uncertain significance for Gorlin syndrome. Last evaluated: 2025-03-20. Review status: criteria provided, single submitter. Criteria: Invitae Variant Classification Sherloc (09022015). Collection method: clinical testing. Allele origin: germline.
Comment: This sequence change replaces glutamic acid, which is acidic and polar, with glutamine, which is neutral and polar, at codon 970 of the PTCH1 protein (p.Glu970Gln). This variant is not present in population databases (gnomAD no frequency). This variant has not been reported in the literature in individuals affected with PTCH1-related conditions. Invitae Evidence Modeling of protein sequence and biophysical properties (such as structural, functional, and spatial information, amino acid conservation, physicochemical variation, residue mobility, and thermodynamic stability) has been performed for this missense variant. However, the output from this modeling did not meet the statistical confidence thresholds required to predict the impact of this variant on PTCH1 protein function. In summary, the available evidence is currently insufficient to determine the role of this variant in disease. Therefore, it has been classified as a Variant of Uncertain Significance.